The following is an entry in ClinVar:

ClinVar aggregate classification (germline): Likely benign (0 of 4 stars; one submission).

Conditions:
B4GALT1-related disorder. Also called: B4GALT1-related condition.

Allele frequency attached by ClinVar (database versions not stated): gnomAD 0.00001; TOPMed 0.00010; ExAC 0.00021.
gnomAD v4.1: 53 of 1,594,926 alleles (0.0033%); highest among the groups gnomAD compares: Admixed American, 0.067%; no homozygotes.

Submission:

PreventionGenetics, part of Exact Sciences
Classification: Likely benign for B4GALT1-related condition. Last evaluated: 2019-02-26. Review status: no assertion criteria provided. Collection method: clinical testing. Allele origin: germline.
Comment: This variant is classified as likely benign based on ACMG/AMP sequence variant interpretation guidelines (Richards et al. 2015 PMID: 25741868, with internal and published modifications).

NM_001497.4(B4GALT1):c.-6G>A

Genes: B4GALT1 (beta-1,4-galactosyltransferase 1; minus strand), B4GALT1-AS1 (B4GALT1 antisense RNA 1; plus strand). Cytogenetic location: 9p21.1.
Variant type: single nucleotide variant.
Coding change: c.-6G>A on transcript NM_001497.4 (MANE Select); 6 bases upstream of the start codon, G replaced by A.
Molecular consequence: 5 prime UTR variant.
Genome position (GRCh38, 1-based): chr9:33,167,175, C>T on the plus strand (G>A on the coding strand, the complement: B4GALT1 is on the minus strand). VCF-style: chr9-33167175-C-T. GRCh37 (hg19) VCF-style: chr9-33167173-C-T.
Other names: c.-6G>A (NM_001378496.1, NM_001378497.1).
Identifiers: ClinVar variation 3052091 (VCV003052091.2), dbSNP rs773016727, ClinGen allele CA5023866.